The following is an entry in ClinVar:

NM_020975.6(RET):c.1910T>C (p.Val637Ala)

Gene: RET (ret proto-oncogene; plus strand). Cytogenetic location: 10q11.21.
Variant type: single nucleotide variant.
Coding change: c.1910T>C on transcript NM_020975.6 (MANE Select); coding-DNA position 1910, T replaced by C.
Protein change: p.Val637Ala; replaces valine 637 with alanine.
Molecular consequence: missense variant. On other transcripts: intron variant (4).
Genome position (GRCh38, 1-based): chr10:43,114,510, T>C. VCF-style: chr10-43114510-T-C. GRCh37 (hg19) VCF-style: chr10-43609958-T-C.
Other names: c.1148T>C, p.Val383Ala (NM_001355216.2); c.1910T>C, p.Val637Ala (NM_001406743.1, NM_001406744.1, NM_001406759.1 and 2 more transcripts); c.1781T>C, p.Val594Ala (NM_001406761.1, NM_001406762.1, NM_001406764.1); c.1622T>C, p.Val541Ala (NM_001406766.1, NM_001406767.1, NM_001406770.1); c.1514T>C, p.Val505Ala (NM_001406769.1, NM_001406772.1); c.1472T>C, p.Val491Ala (NM_001406771.1, NM_001406773.1); c.1385T>C, p.Val462Ala (NM_001406774.1); c.1184T>C, p.Val395Ala (NM_001406775.1, NM_001406776.1, NM_001406777.1 and 1 more transcripts); and 10 more; short protein forms V295A, V298A, V338A, V491A, V541A, V637A, V154A, V307A.
Identifiers: ClinVar variation 3432211 (VCV003432211.1).

ClinVar aggregate classification (germline): Uncertain significance (1 of 4 stars; one submission).

Conditions:
Hereditary cancer-predisposing syndrome. Also called: Neoplastic Syndromes, Hereditary; Tumor predisposition; Hereditary Cancer Syndrome; Hereditary neoplastic syndrome. Identifiers: Orphanet 140162, MedGen C0027672, MeSH D009386, MONDO:0015356.

Submission:

Ambry Genetics
Classification: Uncertain significance for Hereditary cancer-predisposing syndrome. Last evaluated: 2024-11-11. Review status: criteria provided, single submitter. Criteria: Ambry Variant Classification Scheme 2023. Collection method: clinical testing. Allele origin: germline.
Comment: The p.V637A variant (also known as c.1910T>C), located in coding exon 11 of the RET gene, results from a T to C substitution at nucleotide position 1910. The valine at codon 637 is replaced by alanine, an amino acid with similar properties. This amino acid position is conserved. In addition, this alteration is predicted to be deleterious by in silico analysis. Based on the available evidence, the clinical significance of this variant remains unclear.